The following is an entry in ClinVar:

ClinVar aggregate classification (germline): Uncertain significance. Review status: criteria provided, multiple submitters, no conflicts (2 of 4 stars). 2 submissions from 2 submitters: Uncertain significance (2). Last evaluated 2024-05-17.

Conditions:
Inborn genetic diseases. Identifiers: MedGen C0950123, MeSH D030342.

Allele frequency attached by ClinVar (database versions not stated): ExAC 0.00002; gnomAD 0.00003; ESP Exome Variant Server 0.00008.
gnomAD v4.1: 96 of 1,613,470 alleles (0.0059%); highest among the groups gnomAD compares: Non-Finnish European, 0.0076%; 1 homozygote.

Submissions (2):

Ambry Genetics
Classification: Uncertain significance for Inborn genetic diseases. Last evaluated: 2024-05-17. Review status: criteria provided, single submitter. Criteria: Ambry Variant Classification Scheme 2023. Collection method: clinical testing. Allele origin: germline.

Labcorp Genetics (formerly Invitae), Labcorp
Classification: Uncertain significance. Last evaluated: 2022-08-17. Review status: criteria provided, single submitter. Criteria: Invitae Variant Classification Sherloc (09022015). Collection method: clinical testing. Allele origin: germline.
Comment: This sequence change replaces methionine, which is neutral and non-polar, with valine, which is neutral and non-polar, at codon 900 of the MBTPS1 protein (p.Met900Val). This variant is present in population databases (rs144315557, gnomAD 0.01%). This variant has not been reported in the literature in individuals affected with MBTPS1-related conditions. Algorithms developed to predict the effect of missense changes on protein structure and function (SIFT, PolyPhen-2, Align-GVGD) all suggest that this variant is likely to be tolerated. In summary, the available evidence is currently insufficient to determine the role of this variant in disease. Therefore, it has been classified as a Variant of Uncertain Significance.

NM_003791.4(MBTPS1):c.2698A>G (p.Met900Val)

Gene: MBTPS1 (membrane bound transcription factor peptidase, site 1; minus strand). Cytogenetic location: 16q23.3.
Variant type: single nucleotide variant.
Coding change: c.2698A>G on transcript NM_003791.4 (MANE Select); coding-DNA position 2698, A replaced by G.
Protein change: p.Met900Val; replaces methionine 900 with valine.
Molecular consequence: missense variant.
Genome position (GRCh38, 1-based): chr16:84,060,688, T>C on the plus strand (A>G on the coding strand, the complement: MBTPS1 is on the minus strand). VCF-style: chr16-84060688-T-C. GRCh37 (hg19) VCF-style: chr16-84094293-T-C.
Other names: c.2698A>G (NM_003791.2); short protein forms M900V.
Identifiers: ClinVar variation 2186870 (VCV002186870.2), dbSNP rs144315557, ClinGen allele CA8200802.
Genomic context (GRCh38, chr16:84,060,688, plus strand): 5'-TCATGTTCAGCTGGATCCAATTCCCTCCCCAAGGCATCCTGCCCATCCACTCACCTTCCA[T>C]CCTCTCTGGAGTGACTGAGCCTGCTCCACTGGGAGGGCGCTGGCGGTTCCCAGAGTGACT-3'
Protein context (NP_003782.1, residues 890-910): SGAGSVTPER[Met900Val]EGNHLHRYSK